The following is an entry in ClinVar:

NM_020223.4(FAM20C):c.986T>C (p.Val329Ala)

Gene: FAM20C (FAM20C golgi associated secretory pathway kinase; plus strand). Cytogenetic location: 7p22.3.
Variant type: single nucleotide variant.
Coding change: c.986T>C on transcript NM_020223.4 (MANE Select); coding-DNA position 986, T replaced by C.
Protein change: p.Val329Ala; replaces valine 329 with alanine.
Molecular consequence: missense variant.
Genome position (GRCh38, 1-based): chr7:248,344, T>C. VCF-style: chr7-248344-T-C. GRCh37 (hg19) VCF-style: chr7-288310-T-C.
Other names: short protein forms V329A.
Identifiers: ClinVar variation 2133086 (VCV002133086.4), dbSNP rs2534710163, ClinGen allele CA366523855.
Genomic context (GRCh38, chr7:248,344, plus strand): 5'-CACAGACCATTCCCCGCCCGTTTCTTGCCAGGATCCTGGACTTCCGCCGGGTCCCTCCCG[T>C]GGCCGGCAGGATGGTCAACATGACCAAGGAGATCCGGGACGTCACACGGGACAAGAAGCT-3'
Protein context (NP_064608.2, residues 319-339): RILDFRRVPP[Val329Ala]AGRMVNMTKE

ClinVar aggregate classification (germline): Uncertain significance (1 of 4 stars; one submission).

Allele frequency attached by ClinVar (database versions not stated): gnomAD exomes below 0.00001.
gnomAD v4.1: 1 of 1,537,062 alleles (0.000065%); highest among the groups gnomAD compares: Non-Finnish European, 0.000087%; no homozygotes.

Submission:

Labcorp Genetics (formerly Invitae), Labcorp
Classification: Uncertain significance. Last evaluated: 2022-05-31. Review status: criteria provided, single submitter. Criteria: Invitae Variant Classification Sherloc (09022015). Collection method: clinical testing. Allele origin: germline.
Comment: This variant is not present in population databases (gnomAD no frequency). This sequence change replaces valine, which is neutral and non-polar, with alanine, which is neutral and non-polar, at codon 329 of the FAM20C protein (p.Val329Ala). This variant has not been reported in the literature in individuals affected with FAM20C-related conditions. Algorithms developed to predict the effect of missense changes on protein structure and function (SIFT, PolyPhen-2, Align-GVGD) all suggest that this variant is likely to be tolerated. In summary, the available evidence is currently insufficient to determine the role of this variant in disease. Therefore, it has been classified as a Variant of Uncertain Significance.